The following is an entry in ClinVar:

NM_017534.6(MYH2):c.4291G>A (p.Val1431Ile)

Genes: MYH2 (myosin heavy chain 2; minus strand), MYHAS (myosin heavy chain gene cluster antisense RNA; plus strand). Cytogenetic location: 17p13.1.
Variant type: single nucleotide variant.
Coding change: c.4291G>A on transcript NM_017534.6 (MANE Select); coding-DNA position 4291, G replaced by A.
Protein change: p.Val1431Ile; replaces valine 1431 with isoleucine.
Molecular consequence: missense variant.
Genome position (GRCh38, 1-based): chr17:10,525,773, C>T on the plus strand (G>A on the coding strand, the complement: MYH2 is on the minus strand). VCF-style: chr17-10525773-C-T. GRCh37 (hg19) VCF-style: chr17-10429090-C-T.
Other names: c.4291G>A, p.Val1431Ile (NM_001100112.2); short protein forms V1431I.
Identifiers: ClinVar variation 1348101 (VCV001348101.6), dbSNP rs776820408, ClinGen allele CA8390673.
Genomic context (GRCh38, chr17:10,525,773, plus strand): 5'-TTTTGTCAAGGGCGGCACAGGCGGCATTTGTCCTCTCCACATCAAGCATGAGGTCCTCGA[C>T]CTCATTCTGCAGCCGCTGCTTCGTCTTTTCGAGGGAAGCACATTTGGCGTTCACAGCTTC-3'
Protein context (NP_060004.3, residues 1421-1441): EKTKQRLQNE[Val1431Ile]EDLMLDVERT

ClinVar aggregate classification (germline): Uncertain significance (1 of 4 stars; one submission).

Conditions:
Myopathy, proximal, and ophthalmoplegia (CMYO6). Also called: INCLUSION BODY MYOPATHY 3, AUTOSOMAL DOMINANT; MYOPATHY WITH CONGENITAL JOINT CONTRACTURES, OPHTHALMOPLEGIA, AND RIMMED VACUOLES; CONGENITAL MYOPATHY 6 WITH OPHTHALMOPLEGIA. Identifiers: Orphanet 363677, Orphanet 79091, MedGen C1854106, MONDO:0011577, OMIM 605637.

Allele frequency attached by ClinVar (database versions not stated): ExAC 0.00001; gnomAD 0.00001; gnomAD exomes 0.00001 and 0.00002; TOPMed 0.00001.
gnomAD v4.1: 15 of 1,614,208 alleles (0.00093%); highest among the groups gnomAD compares: Admixed American, 0.0033%; no homozygotes.

Submission:

Labcorp Genetics (formerly Invitae), Labcorp
Classification: Uncertain significance for Myopathy, proximal, and ophthalmoplegia. Last evaluated: 2025-10-09. Review status: criteria provided, single submitter. Criteria: Invitae Variant Classification Sherloc (09022015). Collection method: clinical testing. Allele origin: germline.
Comment: This sequence change replaces valine, which is neutral and non-polar, with isoleucine, which is neutral and non-polar, at codon 1431 of the MYH2 protein (p.Val1431Ile). This variant is present in population databases (rs776820408, gnomAD 0.006%). This variant has not been reported in the literature in individuals affected with MYH2-related conditions. ClinVar contains an entry for this variant (Variation ID: 1348101). An algorithm developed to predict the effect of missense changes on protein structure and function (PolyPhen-2) suggests that this variant is likely to be tolerated. In summary, the available evidence is currently insufficient to determine the role of this variant in disease. Therefore, it has been classified as a Variant of Uncertain Significance.